The following is an entry in ClinVar:

ClinVar aggregate classification (germline): Uncertain significance (1 of 4 stars; one submission).

Allele frequency attached by ClinVar (database versions not stated): ExAC 0.00001; gnomAD 0.00001; gnomAD exomes 0.00001; TOPMed 0.00001.
gnomAD v4.1: 9 of 1,614,014 alleles (0.00056%); highest among the groups gnomAD compares: Admixed American, 0.015%; no homozygotes.

Submission:

Ambry Genetics
Classification: Uncertain significance. Last evaluated: 2024-02-22. Review status: criteria provided, single submitter. Criteria: Ambry Variant Classification Scheme 2023. Collection method: clinical testing. Allele origin: germline.
Comment: The p.T671A variant (also known as c.2011A>G), located in coding exon 13 of the NPAT gene, results from an A to G substitution at nucleotide position 2011. The threonine at codon 671 is replaced by alanine, an amino acid with similar properties. This amino acid position is conserved. In addition, this alteration is predicted to be tolerated by in silico analysis. Since supporting evidence is limited at this time, the clinical significance of this alteration remains unclear.

NM_002519.3(NPAT):c.2011A>G (p.Thr671Ala)

Gene: NPAT (nuclear protein, coactivator of histone transcription; minus strand). Cytogenetic location: 11q22.3.
Variant type: single nucleotide variant.
Coding change: c.2011A>G on transcript NM_002519.3 (MANE Select); coding-DNA position 2011, A replaced by G.
Protein change: p.Thr671Ala; replaces threonine 671 with alanine.
Molecular consequence: missense variant.
Genome position (GRCh38, 1-based): chr11:108,172,973, T>C on the plus strand (A>G on the coding strand, the complement: NPAT is on the minus strand). VCF-style: chr11-108172973-T-C. GRCh37 (hg19) VCF-style: chr11-108043700-T-C.
Other names: c.2011A>G, p.Thr671Ala (NM_001321307.1); short protein forms T671A.
Identifiers: ClinVar variation 1784425 (VCV001784425.2), dbSNP rs761056777, ClinGen allele CA6263905.